The following is an entry in ClinVar:

NM_000548.5(TSC2):c.577G>T (p.Glu193Ter)

Gene: TSC2 (TSC complex subunit 2; plus strand). Cytogenetic location: 16p13.3.
Variant type: single nucleotide variant.
Coding change: c.577G>T on transcript NM_000548.5 (MANE Select); coding-DNA position 577, G replaced by T.
Protein change: p.Glu193Ter; replaces glutamic acid 193 with a stop codon.
Molecular consequence: nonsense. On other transcripts: intron variant (1).
Genome position (GRCh38, 1-based): chr16:2,055,497, G>T. VCF-style: chr16-2055497-G-T. GRCh37 (hg19) VCF-style: chr16-2105498-G-T.
Other names: c.577G>T, p.Glu193Ter (NM_001077183.3, NM_001114382.3, NM_001363528.2 and 3 more transcripts); c.466G>T, p.Glu156Ter (NM_001318827.2); c.430G>T, p.Glu144Ter (NM_001318829.2); c.610G>T, p.Glu204Ter (NM_001318832.2); c.-1-699G>T (NM_001318831.2); short protein forms E193*, E156*, E144*, E204*.
Identifiers: ClinVar variation 50039 (VCV000050039.23), dbSNP rs45517112, ClinGen allele CA022584.
Genomic context (GRCh38, chr16:2,055,497, plus strand): 5'-TCCTCGGAATTCCTTCTGGTGCTGGTGAACTTGGTCAAATTCAATAGCTGTTACCTCGAC[G>T]AGTACATCGCAAGGATGGTTCAGTAAGAAAAGAATTGAGATCCTGTTCTGATAATGGTCC-3'

ClinVar aggregate classification (germline): Pathogenic. Review status: criteria provided, multiple submitters, no conflicts (2 of 4 stars). 4 submissions from 4 submitters: Pathogenic (2). 2 of the submissions do not count toward it. Last evaluated 2025-09-24.

Conditions:
Tuberous sclerosis syndrome (TSC). Also called: Tuberous Sclerosis Complex; Tuberous sclerosis. Identifiers: Orphanet 805, MedGen C0041341, MONDO:0001734.
Tuberous sclerosis 2 (TSC2). Identifiers: Orphanet 805, MedGen C1860707, MONDO:0013199, OMIM 613254.

Submissions (4):

GeneDx
Classification: Pathogenic. Last evaluated: 2025-09-24. Review status: criteria provided, single submitter. Criteria: GeneDx Variant Classification Process June 2021. Collection method: clinical testing. Allele origin: germline.
Comment: Nonsense variant predicted to result in protein truncation or nonsense mediated decay in a gene for which loss of function is a known mechanism of disease; Not observed at significant frequency in large population cohorts (gnomAD); Has not been previously published as pathogenic or benign to our knowledge; This variant is associated with the following publications: (PMID: 25525159, 37937776)

Labcorp Genetics (formerly Invitae), Labcorp
Classification: Pathogenic for Tuberous sclerosis 2. Last evaluated: 2023-02-14. Review status: criteria provided, single submitter. Criteria: Invitae Variant Classification Sherloc (09022015). Collection method: clinical testing. Allele origin: germline.
Comment: This sequence change creates a premature translational stop signal (p.Glu193*) in the TSC2 gene. It is expected to result in an absent or disrupted protein product. Loss-of-function variants in TSC2 are known to be pathogenic (PMID: 10205261, 17304050). This variant is not present in population databases (gnomAD no frequency). This variant has not been reported in the literature in individuals affected with TSC2-related conditions. ClinVar contains an entry for this variant (Variation ID: 50039). Algorithms developed to predict the effect of sequence changes on RNA splicing suggest that this variant may disrupt the consensus splice site. For these reasons, this variant has been classified as Pathogenic.

deCODE genetics, Amgen
Classification: Likely pathogenic for Tuberous sclerosis 2. Last evaluated: 2023-07-21. Review status: no assertion criteria provided. Collection method: research. Allele origin: germline. Affected: yes. Observed: 1 variant allele. Not counted in ClinVar's aggregate classification.
Comment: The variant NM_000548.5:c.577G>T (chr16:2055497) in TSC2 was detected in 1 heterozygote out of 58K WGS Icelanders (MAF= 0,001%). This variant has been reported in ClinVar previously, but a clinical significance interpretation was not provided. Based on ACMG criteria (PVS1, PM2) this variant classifies as likely pathogenic.

Tuberous sclerosis database (TSC2)
No classification provided. Condition: TSC. Review status: no classification provided. Criteria: Tuberous Sclerosis Database Assertion Criteria 2015. Collection method: curation. Allele origin: germline. Affected: yes. Not counted in ClinVar's aggregate classification.

Literature cited by the submitters: PubMed 10205261 (cited by Labcorp Genetics (formerly Invitae), Labcorp); PubMed 17304050 (cited by Labcorp Genetics (formerly Invitae), Labcorp).